The following is an entry in ClinVar:

ClinVar aggregate classification (germline): Uncertain significance. Review status: criteria provided, multiple submitters, no conflicts (2 of 4 stars). 2 submissions from 2 submitters: Uncertain significance (2). Last evaluated 2025-04-28.

Conditions:
Inborn genetic diseases. Identifiers: MedGen C0950123, MeSH D030342.

Allele frequency attached by ClinVar (database versions not stated): 1000 Genomes Project 30x 0.00016; TOPMed 0.00002; gnomAD 0.00003; ExAC 0.00006.
gnomAD v4.1: 17 of 1,551,782 alleles (0.0011%); highest among the groups gnomAD compares: African/African-American, 0.0068%; no homozygotes.

Submissions (2):

Ambry Genetics
Classification: Uncertain significance for Inborn genetic diseases. Last evaluated: 2025-04-28. Review status: criteria provided, single submitter. Criteria: Ambry Variant Classification Scheme 2023. Collection method: clinical testing. Allele origin: germline.

Labcorp Genetics (formerly Invitae), Labcorp
Classification: Uncertain significance. Last evaluated: 2023-01-31. Review status: criteria provided, single submitter. Criteria: Invitae Variant Classification Sherloc (09022015). Collection method: clinical testing. Allele origin: germline.
Comment: In summary, the available evidence is currently insufficient to determine the role of this variant in disease. Therefore, it has been classified as a Variant of Uncertain Significance. Advanced modeling of protein sequence and biophysical properties (such as structural, functional, and spatial information, amino acid conservation, physicochemical variation, residue mobility, and thermodynamic stability) performed at Invitae indicates that this missense variant is not expected to disrupt TONSL protein function. This variant has not been reported in the literature in individuals affected with TONSL-related conditions. This variant is present in population databases (rs115515600, gnomAD 0.01%). This sequence change replaces arginine, which is basic and polar, with tryptophan, which is neutral and slightly polar, at codon 812 of the TONSL protein (p.Arg812Trp).

NM_013432.5(TONSL):c.2434C>T (p.Arg812Trp)

Genes: TONSL (tonsoku like, DNA repair protein; minus strand), TONSL-AS1 (TONSL antisense RNA 1; plus strand). Cytogenetic location: 8q24.3.
Variant type: single nucleotide variant.
Coding change: c.2434C>T on transcript NM_013432.5 (MANE Select); coding-DNA position 2434, C replaced by T.
Protein change: p.Arg812Trp; replaces arginine 812 with tryptophan.
Molecular consequence: missense variant.
Genome position (GRCh38, 1-based): chr8:144,435,999, G>A on the plus strand (C>T on the coding strand, the complement: TONSL is on the minus strand). VCF-style: chr8-144435999-G-A. GRCh37 (hg19) VCF-style: chr8-145661382-G-A.
Other names: c.2434C>T (NM_013432.4); short protein forms R812W.
Identifiers: ClinVar variation 1957505 (VCV001957505.6), dbSNP rs115515600, ClinGen allele CA4942832.